The following is an entry in ClinVar:

NM_139343.3(BIN1):c.1558G>C (p.Gly520Arg)

Gene: BIN1 (bridging integrator 1; minus strand). Cytogenetic location: 2q14.3.
Variant type: single nucleotide variant.
Coding change: c.1558G>C on transcript NM_139343.3 (MANE Select); coding-DNA position 1558, G replaced by C.
Protein change: p.Gly520Arg; replaces glycine 520 with arginine.
Molecular consequence: missense variant.
Genome position (GRCh38, 1-based): chr2:127,050,816, C>G on the plus strand (G>C on the coding strand, the complement: BIN1 is on the minus strand). VCF-style: chr2-127050816-C-G. GRCh37 (hg19) VCF-style: chr2-127808392-C-G.
Other names: c.1051G>C, p.Gly351Arg (NM_001320632.2); c.1189G>C, p.Gly397Arg (NM_001320633.2); c.934G>C, p.Gly312Arg (NM_001320634.1); c.1318G>C, p.Gly440Arg (NM_001320640.2); c.1465G>C, p.Gly489Arg (NM_001320641.2); c.1477G>C, p.Gly493Arg (NM_001320642.1); c.1141G>C, p.Gly381Arg (NM_004305.4); c.1429G>C, p.Gly477Arg (NM_139344.3); and 7 more; short protein forms G312R, G336R, G351R, G366R, G381R, G397R, G402R, G409R.
Identifiers: ClinVar variation 1052494 (VCV001052494.9), dbSNP rs765354438, ClinGen allele CA1857004.

ClinVar aggregate classification (germline): Uncertain significance (1 of 4 stars; one submission).

Conditions:
Myopathy, centronuclear, 2 (CNM2). Also called: MYOTUBULAR MYOPATHY, AUTOSOMAL RECESSIVE. Identifiers: Orphanet 169186, MedGen CN031787, MONDO:0009709, OMIM 255200.

Allele frequency attached by ClinVar (database versions not stated): gnomAD exomes below 0.00001; TOPMed below 0.00001; ExAC 0.00001; gnomAD 0.00001.
gnomAD v4.1: 3 of 1,613,508 alleles (0.00019%); highest among the groups gnomAD compares: African/African-American, 0.004%; no homozygotes.

Submission:

Labcorp Genetics (formerly Invitae), Labcorp
Classification: Uncertain significance for Myopathy, centronuclear, 2. Last evaluated: 2022-06-20. Review status: criteria provided, single submitter. Criteria: Invitae Variant Classification Sherloc (09022015). Collection method: clinical testing. Allele origin: germline.
Comment: This variant has not been reported in the literature in individuals affected with BIN1-related conditions. This variant is present in population databases (rs765354438, gnomAD 0.007%). This sequence change replaces glycine, which is neutral and non-polar, with arginine, which is basic and polar, at codon 520 of the BIN1 protein (p.Gly520Arg). ClinVar contains an entry for this variant (Variation ID: 1052494). In summary, the available evidence is currently insufficient to determine the role of this variant in disease. Therefore, it has been classified as a Variant of Uncertain Significance. Algorithms developed to predict the effect of missense changes on protein structure and function are either unavailable or do not agree on the potential impact of this missense change (SIFT: "Deleterious"; PolyPhen-2: "Possibly Damaging"; Align-GVGD: "Class C0").